The following is an entry in ClinVar:

ClinVar aggregate classification (germline): Uncertain significance. Review status: criteria provided, multiple submitters, no conflicts (2 of 4 stars). 3 submissions from 3 submitters: Uncertain significance (3). Last evaluated 2024-02-21.

Conditions:
Neuronopathy, distal hereditary motor, autosomal recessive 5. Also called: Young adult-onset distal hereditary motor neuropathy; NEUROPATHY, DISTAL HEREDITARY MOTOR, AUTOSOMAL RECESSIVE 5; Spinal muscular atrophy, distal, autosomal recessive, 5. Identifiers: Orphanet 314485, Orphanet 443950, MedGen C4749918, MONDO:0013947, OMIM 614881.

Allele frequency attached by ClinVar (database versions not stated): gnomAD exomes 0.00001; TOPMed 0.00002; gnomAD 0.00003 and 0.00004.
gnomAD v4.1: 13 of 1,613,920 alleles (0.00081%); highest among the groups gnomAD compares: African/African-American, 0.0013%; no homozygotes.

Submissions (3):

Mayo Clinic Laboratories, Mayo Clinic
Classification: Uncertain significance. Last evaluated: 2024-02-21. Review status: criteria provided, single submitter. Criteria: ACMG Guidelines, 2015. Collection method: clinical testing. Allele origin: germline. Observed: 1 variant allele.
Comment: BP4, PM2

Labcorp Genetics (formerly Invitae), Labcorp
Classification: Uncertain significance for Neuronopathy, distal hereditary motor, autosomal recessive 5. Last evaluated: 2022-06-07. Review status: criteria provided, single submitter. Criteria: Invitae Variant Classification Sherloc (09022015). Collection method: clinical testing. Allele origin: germline.
Comment: This sequence change replaces threonine, which is neutral and polar, with proline, which is neutral and non-polar, at codon 76 of the DNAJB2 protein (p.Thr76Pro). This variant is present in population databases (no rsID available, gnomAD 0.007%). This variant has not been reported in the literature in individuals affected with DNAJB2-related conditions. ClinVar contains an entry for this variant (Variation ID: 540530). Algorithms developed to predict the effect of missense changes on protein structure and function (SIFT, PolyPhen-2, Align-GVGD) all suggest that this variant is likely to be tolerated. In summary, the available evidence is currently insufficient to determine the role of this variant in disease. Therefore, it has been classified as a Variant of Uncertain Significance.

GeneDx
Classification: Uncertain significance. Last evaluated: 2021-04-14. Review status: criteria provided, single submitter. Criteria: GeneDx Variant Classification Process June 2021. Collection method: clinical testing. Allele origin: germline. Affected: yes.
Comment: Not observed at a significant frequency in large population cohorts (Lek et al., 2016); In silico analysis supports that this missense variant does not alter protein structure/function; Has not been previously published as pathogenic or benign to our knowledge

NM_006736.6(DNAJB2):c.226A>C (p.Thr76Pro)

Gene: DNAJB2 (DnaJ heat shock protein family (Hsp40) member B2; plus strand). Cytogenetic location: 2q35.
Variant type: single nucleotide variant.
Coding change: c.226A>C on transcript NM_006736.6 (MANE Select); coding-DNA position 226, A replaced by C.
Protein change: p.Thr76Pro; replaces threonine 76 with proline.
Molecular consequence: missense variant.
Genome position (GRCh38, 1-based): chr2:219,281,768, A>C. VCF-style: chr2-219281768-A-C. GRCh37 (hg19) VCF-style: chr2-220146490-A-C.
Other names: p.Thr76Pro; c.226A>C, p.Thr76Pro (NM_001039550.2); short protein forms T76P.
Identifiers: ClinVar variation 540530 (VCV000540530.8), dbSNP rs1247249384, ClinGen allele CA350647798.